The following is an entry in ClinVar:

ClinVar aggregate classification (germline): Uncertain significance. Review status: criteria provided, multiple submitters, no conflicts (2 of 4 stars). 3 submissions from 3 submitters: Uncertain significance (2). 1 of the submissions does not count toward it. Last evaluated 2025-11-24.

Conditions:
Inborn genetic diseases. Identifiers: MedGen C0950123, MeSH D030342.
Usher syndrome type 1 (USH1). Also called: RETINITIS PIGMENTOSA AND CONGENITAL DEAFNESS. Identifiers: Orphanet 231169, Orphanet 886, MedGen C1568247, MONDO:0010168, OMIM 276900.

Allele frequency attached by ClinVar (database versions not stated): TOPMed 0.00002.
gnomAD v4.1: 9 of 1,614,028 alleles (0.00056%); highest among the groups gnomAD compares: Admixed American, 0.0033%; no homozygotes.

Submissions (3):

Ambry Genetics
Classification: Uncertain significance for Inborn genetic diseases. Last evaluated: 2025-11-24. Review status: criteria provided, single submitter. Criteria: Ambry Variant Classification Scheme 2023. Collection method: clinical testing. Allele origin: germline.

Labcorp Genetics (formerly Invitae), Labcorp
Classification: Uncertain significance. Last evaluated: 2022-09-06. Review status: criteria provided, single submitter. Criteria: Invitae Variant Classification Sherloc (09022015). Collection method: clinical testing. Allele origin: germline.
Comment: This sequence change replaces asparagine, which is neutral and polar, with lysine, which is basic and polar, at codon 1156 of the CDH23 protein (p.Asn1156Lys). This variant is present in population databases (no rsID available, gnomAD 0.003%). This variant has not been reported in the literature in individuals affected with CDH23-related conditions. ClinVar contains an entry for this variant (Variation ID: 943371). Algorithms developed to predict the effect of missense changes on protein structure and function are either unavailable or do not agree on the potential impact of this missense change (SIFT: "Deleterious"; PolyPhen-2: "Not Available"; Align-GVGD: "Class C25"). In summary, the available evidence is currently insufficient to determine the role of this variant in disease. Therefore, it has been classified as a Variant of Uncertain Significance.

Natera, Inc.
Classification: Uncertain significance for Usher syndrome type 1. Last evaluated: 2021-06-11. Review status: no assertion criteria provided. Collection method: clinical testing. Allele origin: germline. Not counted in ClinVar's aggregate classification.

NM_022124.6(CDH23):c.3468T>G (p.Asn1156Lys)

Genes: C10orf105 (chromosome 10 open reading frame 105; minus strand), CDH23 (cadherin related 23; plus strand). Cytogenetic location: 10q22.1.
Variant type: single nucleotide variant.
Coding change: c.3468T>G on transcript NM_022124.6 (MANE Select); coding-DNA position 3468, T replaced by G.
Protein change: p.Asn1156Lys; replaces asparagine 1156 with lysine.
Molecular consequence: missense variant. On other transcripts: intron variant (1).
Genome position (GRCh38, 1-based): chr10:71,725,409, T>G. VCF-style: chr10-71725409-T-G. GRCh37 (hg19) VCF-style: chr10-73485166-T-G.
Other names: c.3468T>G, p.Asn1156Lys (NM_001171930.2); c.-5-9067A>C (NM_001168390.2); short protein forms N1156K.
Identifiers: ClinVar variation 943371 (VCV000943371.9), dbSNP rs751046027, ClinGen allele CA377152237.